The following is an entry in ClinVar:

ClinVar aggregate classification (germline): Pathogenic (1 of 4 stars; one submission).

Allele frequency attached by ClinVar (database versions not stated): gnomAD exomes below 0.00001.
gnomAD v4.1: 1 of 1,555,664 alleles (0.000064%); highest among the groups gnomAD compares: Non-Finnish European, 0.000087%; no homozygotes.

Submission:

Labcorp Genetics (formerly Invitae), Labcorp
Classification: Pathogenic. Last evaluated: 2022-10-25. Review status: criteria provided, single submitter. Criteria: Invitae Variant Classification Sherloc (09022015). Collection method: clinical testing. Allele origin: germline.
Comment: This sequence change affects an acceptor splice site in intron 1 of the NR2E3 gene. It is expected to disrupt RNA splicing. Variants that disrupt the donor or acceptor splice site typically lead to a loss of protein function (PMID: 16199547), and loss-of-function variants in NR2E3 are known to be pathogenic (PMID: 15459973, 27522502). This variant is not present in population databases (gnomAD no frequency). Disruption of this splice site has been observed in individual(s) with autosomal recessive enhanced S-cone syndrome (PMID: 10655056, 24474277, 25079116, 31306293). It has also been observed to segregate with disease in related individuals. ClinVar contains an entry for this variant (Variation ID: 957640). Algorithms developed to predict the effect of sequence changes on RNA splicing suggest that this variant may disrupt the consensus splice site. For these reasons, this variant has been classified as Pathogenic.

Literature cited by the submitters: PubMed 16199547; PubMed 15459973; PubMed 27522502; PubMed 10655056; PubMed 24474277; PubMed 25079116; PubMed 31306293.

NM_014249.4(NR2E3):c.119-1G>A

Gene: NR2E3 (nuclear receptor subfamily 2 group E member 3; plus strand). Cytogenetic location: 15q23.
Variant type: single nucleotide variant.
Coding change: c.119-1G>A on transcript NM_014249.4 (MANE Select); the canonical splice acceptor site of the intron before coding-DNA position 119, G replaced by A.
Molecular consequence: splice acceptor variant.
Genome position (GRCh38, 1-based): chr15:71,811,482, G>A. VCF-style: chr15-71811482-G-A. GRCh37 (hg19) VCF-style: chr15-72103822-G-A.
Other names: c.119-1G>A (NM_016346.4).
Identifiers: ClinVar variation 957640 (VCV000957640.8), dbSNP rs2054179222, ClinGen allele CA393031929.